The following is an entry in ClinVar:

NM_000256.3(MYBPC3):c.580G>T (p.Gly194Cys)

Gene: MYBPC3 (myosin binding protein C3; minus strand). Cytogenetic location: 11p11.2.
Variant type: single nucleotide variant.
Coding change: c.580G>T on transcript NM_000256.3 (MANE Select); coding-DNA position 580, G replaced by T.
Protein change: p.Gly194Cys; replaces glycine 194 with cysteine.
Molecular consequence: missense variant.
Genome position (GRCh38, 1-based): chr11:47,349,848, C>A on the plus strand (G>T on the coding strand, the complement: MYBPC3 is on the minus strand). VCF-style: chr11-47349848-C-A. GRCh37 (hg19) VCF-style: chr11-47371399-C-A.
Other names: short protein forms G194C.
Identifiers: ClinVar variation 919298 (VCV000919298.6), dbSNP rs2095898517, ClinGen allele CA380337740.

ClinVar aggregate classification (germline): Uncertain significance. Review status: criteria provided, multiple submitters, no conflicts (2 of 4 stars). 2 submissions from 2 submitters: Uncertain significance (2). Last evaluated 2024-03-06.

Conditions:
Cardiomyopathy (CMYO). Also called: Cardiomyopathies. Identifiers: Orphanet 167848, MedGen C0878544, MONDO:0004994, HP:0001638. Inheritance: Various modes of inheritance.
Hypertrophic cardiomyopathy. Also called: HYPERTROPHIC MYOCARDIOPATHY. Identifiers: Orphanet 217569, MedGen C0007194, MeSH D002312, MONDO:0005045, HP:0001639.

Submissions (2):

Color Diagnostics, LLC DBA Color Health
Classification: Uncertain significance for Cardiomyopathy. Last evaluated: 2024-03-06. Review status: criteria provided, single submitter. Criteria: ACMG Guidelines, 2015. Collection method: clinical testing. Allele origin: germline.
Comment: This missense variant replaces glycine with cysteine at codon 194 of the MYBPC3 protein. Computational prediction suggests that this variant may have deleterious impact on protein structure and function (internally defined REVEL score threshold >= 0.7, PMID: 27666373). To our knowledge, functional studies have not been reported for this variant. This variant has not been reported in individuals affected with MYBPC3-related disorders in the literature. This variant has not been identified in the general population by the Genome Aggregation Database (gnomAD). The available evidence is insufficient to determine the role of this variant in disease conclusively. Therefore, this variant is classified as a Variant of Uncertain Significance.

All of Us Research Program, National Institutes of Health
Classification: Uncertain significance for Hypertrophic cardiomyopathy. Last evaluated: 2023-10-06. Review status: criteria provided, single submitter. Criteria: ACMG Guidelines, 2015. Collection method: clinical testing. Allele origin: germline. Inheritance: Autosomal dominant inheritance. Observed: 1 variant allele, 1 heterozygote.
Comment: This missense variant replaces glycine with cysteine at codon 194 of the MYBPC3 protein. Computational prediction tool suggests that this variant may have deleterious impact on protein structure and function (internally defined REVEL score threshold >=0.7, PMID: 27666373). Splice site prediction tools suggest that this variant may not impact RNA splicing. To our knowledge, functional studies have not been performed for this variant. This variant has not been reported in individuals affected with cardiovascular disorders in the literature. This variant has not been identified in the general population by the Genome Aggregation Database (gnomAD). The available evidence is insufficient to determine the role of this variant in disease conclusively. Therefore, this variant is classified as a Variant of Uncertain Significance.

This study involves interpretation of variants in research participants for the purpose of population health screening. Participant phenotype was not available at the time of variant classification. Additional details can be found in publication PMID: 35346344, PMCID: PMC8962531